The following is an entry in ClinVar:

NM_015909.4(NBAS):c.1648G>T (p.Gly550Cys)

Gene: NBAS (NBAS subunit of NRZ tethering complex; minus strand). Cytogenetic location: 2p24.3.
Variant type: single nucleotide variant.
Coding change: c.1648G>T on transcript NM_015909.4 (MANE Select); coding-DNA position 1648, G replaced by T.
Protein change: p.Gly550Cys; replaces glycine 550 with cysteine.
Molecular consequence: missense variant. On other transcripts: non-coding transcript variant (1).
Genome position (GRCh38, 1-based): chr2:15,473,299, C>A on the plus strand (G>T on the coding strand, the complement: NBAS is on the minus strand). VCF-style: chr2-15473299-C-A. GRCh37 (hg19) VCF-style: chr2-15613423-C-A.
Other names: short protein forms G550C.
Identifiers: ClinVar variation 1367616 (VCV001367616.32), dbSNP rs571873632, ClinGen allele CA1536602.

ClinVar aggregate classification (germline): Likely benign. Review status: criteria provided, multiple submitters, no conflicts (2 of 4 stars). 3 submissions from 3 submitters: Likely benign (3). Last evaluated 2026-01-13.

Allele frequency attached by ClinVar (database versions not stated): gnomAD exomes 0.00006 and 0.00012; ExAC 0.00012; 1000 Genomes Project 30x 0.00031; 1000 Genomes Project 0.00040.
gnomAD v4.1: 100 of 1,614,032 alleles (0.0062%); highest among the groups gnomAD compares: East Asian, 0.16%; no homozygotes.

Submissions (3):

Labcorp Genetics (formerly Invitae), Labcorp
Classification: Likely benign. Last evaluated: 2026-01-13. Review status: criteria provided, single submitter. Criteria: Invitae Variant Classification Sherloc (09022015). Collection method: clinical testing. Allele origin: germline.

CeGaT Center for Human Genetics Tuebingen
Classification: Likely benign. Last evaluated: 2023-06-01. Review status: criteria provided, single submitter. Criteria: CeGaT Center For Human Genetics Tuebingen Variant Classification Criteria Version 2. Collection method: clinical testing. Allele origin: germline. Affected: yes. Observed: 1 variant allele.
Comment: NBAS: BS1

Women's Health and Genetics/Laboratory Corporation of America, LabCorp
Classification: Likely benign. Last evaluated: 2022-07-01. Review status: criteria provided, single submitter. Criteria: LabCorp Variant Classification Summary - May 2015. Collection method: clinical testing. Allele origin: germline.
Comment: Variant summary: NBAS c.1648G>T (p.Gly550Cys) results in a non-conservative amino acid change in the encoded protein sequence. Three of five in-silico tools predict a damaging effect of the variant on protein function. The variant allele was found at a frequency of 0.00012 in 251270 control chromosomes, predominantly at a frequency of 0.0013 within the East Asian subpopulation in the gnomAD database. The observed variant frequency within East Asian control individuals in the gnomAD database is approximately 1.1 fold of the estimated maximal expected allele frequency for a pathogenic variant in NBAS causing Liver Failure Acute Infantile, Type 2 phenotype (0.0011), strongly suggesting that the variant is a benign polymorphism found primarily in populations of East Asian origin. c.1648G>T has been reported in the literature in individuals affected with chronic liver disease or unexplained developmental delay or intellectual disability (Fang_2021, Hiraide_2021). These reports do not provide unequivocal conclusions about association of the variant with Liver Failure Acute Infantile, Type 2. To our knowledge, no experimental evidence demonstrating an impact on protein function has been reported. One ClinVar submitter (evaluation after 2014) cites the variant as uncertain significance. Based on the evidence outlined above, the variant was classified as likely benign.

Literature cited by the submitters: PubMed 33763395 (cited by Women's Health and Genetics/Laboratory Corporation of America, LabCorp); PubMed 33644862 (cited by Women's Health and Genetics/Laboratory Corporation of America, LabCorp).